The following is an entry in ClinVar:

NM_001008537.3(NEXMIF):c.907C>G (p.Leu303Val)

Gene: NEXMIF (neurite extension and migration factor; minus strand). Cytogenetic location: Xq13.3.
Variant type: single nucleotide variant.
Coding change: c.907C>G on transcript NM_001008537.3 (MANE Select); coding-DNA position 907, C replaced by G.
Protein change: p.Leu303Val; replaces leucine 303 with valine.
Molecular consequence: missense variant.
Genome position (GRCh38, 1-based): chrX:74,743,650, G>C on the plus strand (C>G on the coding strand, the complement: NEXMIF is on the minus strand). VCF-style: chrX-74743650-G-C. GRCh37 (hg19) VCF-style: chrX-73963485-G-C.
Other names: short protein forms L303V.
Identifiers: ClinVar variation 981238 (VCV000981238.6), dbSNP rs2080115822, ClinGen allele CA413672094.

ClinVar aggregate classification (germline): Uncertain significance. Review status: criteria provided, single submitter (1 of 4 stars). 2 submissions from 2 submitters: Uncertain significance (1). 1 of the submissions does not count toward it. Last evaluated 2023-02-24.

Conditions:
X-linked intellectual disability, Cantagrel type (XLID98). Also called: INTELLECTUAL DEVELOPMENTAL DISORDER, X-LINKED 98. Identifiers: Orphanet 85277, MedGen C3806730, MONDO:0010483, OMIM 300912.

Submissions (2):

Labcorp Genetics (formerly Invitae), Labcorp
Classification: Uncertain significance. Last evaluated: 2023-02-24. Review status: criteria provided, single submitter. Criteria: Invitae Variant Classification Sherloc (09022015). Collection method: clinical testing. Allele origin: germline.
Comment: ClinVar contains an entry for this variant (Variation ID: 981238). In summary, the available evidence is currently insufficient to determine the role of this variant in disease. Therefore, it has been classified as a Variant of Uncertain Significance. An algorithm developed to predict the effect of missense changes on protein structure and function (PolyPhen-2) suggests that this variant is likely to be disruptive. This variant has not been reported in the literature in individuals affected with NEXMIF-related conditions. This variant is not present in population databases (gnomAD no frequency). This sequence change replaces leucine, which is neutral and non-polar, with valine, which is neutral and non-polar, at codon 303 of the NEXMIF protein (p.Leu303Val).

Institute of Human Genetics, University of Goettingen
Classification: Uncertain significance for X-linked intellectual disability, Cantagrel type. Last evaluated: 2020-09-01. Review status: no assertion criteria provided. Collection method: clinical testing. Allele origin: germline. Affected: yes. Observed: 1 hemizygote. Not counted in ClinVar's aggregate classification.